The following is an entry in ClinVar:

NM_004655.4(AXIN2):c.1934C>T (p.Pro645Leu)

Gene: AXIN2 (axin 2; minus strand). Cytogenetic location: 17q24.1.
Variant type: single nucleotide variant.
Coding change: c.1934C>T on transcript NM_004655.4 (MANE Select); coding-DNA position 1934, C replaced by T.
Protein change: p.Pro645Leu; replaces proline 645 with leucine.
Molecular consequence: missense variant.
Genome position (GRCh38, 1-based): chr17:65,536,527, G>A on the plus strand (C>T on the coding strand, the complement: AXIN2 is on the minus strand). VCF-style: chr17-65536527-G-A. GRCh37 (hg19) VCF-style: chr17-63532645-G-A.
Other names: p.P645L:CCC>CTC; p.Pro645Leu; c.1934C>T (LRG_296t1); c.1739C>T, p.Pro580Leu (NM_001363813.1); short protein forms P645L, P580L.
Identifiers: ClinVar variation 182022 (VCV000182022.20), dbSNP rs730881405, ClinGen allele CA298425.
Genomic context (GRCh38, chr17:65,536,527, plus strand): 5'-CCCCCCCACAGATGGTGCCGGCTGGCTCGTTCGCCTGGAGACGAGCGGGCAGACTCCAAG[G>A]GGTAGGCCTTTTTTGTGCTTTGGGCACTAAACAAGGAATGAGCAGAGAGAAAACAGAAGG-3'
Protein context (NP_004646.3, residues 635-655): HSAQSTKKAY[Pro645Leu]LESARSSPGE

ClinVar aggregate classification (germline): Uncertain significance. Review status: criteria provided, multiple submitters, no conflicts (2 of 4 stars). 6 submissions from 6 submitters: Uncertain significance (6). Last evaluated 2026-06-26.

Conditions:
AXIN2-related disorder.
Colorectal cancer. Also called: Malignant Colorectal Neoplasm; Colorectal cancer, somatic. Identifiers: MedGen C0346629, MONDO:0005575, OMIM 114500.
Hereditary cancer-predisposing syndrome. Also called: Neoplastic Syndromes, Hereditary; Tumor predisposition; Hereditary neoplastic syndrome; Hereditary Cancer Syndrome. Identifiers: Orphanet 140162, MedGen C0027672, MeSH D009386, MONDO:0015356.
Oligodontia-cancer predisposition syndrome. Also called: TOOTH AGENESIS-COLORECTAL CANCER SYNDROME. Identifiers: Orphanet 300576, MedGen C1837750, MONDO:0012075, OMIM 608615. Disease mechanism: loss of function.

Allele frequency attached by ClinVar (database versions not stated): gnomAD exomes below 0.00001; ExAC 0.00001.
gnomAD v4.1: 17 of 1,613,854 alleles (0.0011%); highest among the groups gnomAD compares: Non-Finnish European, 0.0014%; no homozygotes.

Submissions (6):

PreventionGenetics, part of Exact Sciences
Classification: Uncertain significance for AXIN2-related condition. Last evaluated: 2026-06-26. Review status: criteria provided, single submitter. Criteria: ACMG Guidelines, 2015. Collection method: clinical testing. Allele origin: germline.
Comment: The AXIN2 c.1934C>T variant is predicted to result in the amino acid substitution p.Pro645Leu. To our knowledge, this variant has not been reported in the literature. It is reported in 0.00092% of alleles in individuals of European (Non-Finnish) descent in gnomAD and is classified as uncertain in ClinVar (Variation ID: 182022). At this time, the clinical significance of this variant is uncertain due to the absence of conclusive functional and genetic evidence.

Labcorp Genetics (formerly Invitae), Labcorp
Classification: Uncertain significance for Oligodontia-cancer predisposition syndrome. Last evaluated: 2026-01-27. Review status: criteria provided, single submitter. Criteria: Invitae Variant Classification Sherloc (09022015). Collection method: clinical testing. Allele origin: germline.
Comment: This sequence change replaces proline, which is neutral and non-polar, with leucine, which is neutral and non-polar, at codon 645 of the AXIN2 protein (p.Pro645Leu). This variant is present in population databases (rs730881405, gnomAD 0.004%). This variant has not been reported in the literature in individuals affected with AXIN2-related conditions. ClinVar contains an entry for this variant (Variation ID: 182022). Invitae Evidence Modeling of protein sequence and biophysical properties (such as structural, functional, and spatial information, amino acid conservation, physicochemical variation, residue mobility, and thermodynamic stability) indicates that this missense variant is not expected to disrupt AXIN2 protein function with a negative predictive value of 80%. In summary, the available evidence is currently insufficient to determine the role of this variant in disease. Therefore, it has been classified as a Variant of Uncertain Significance.

Ambry Genetics
Classification: Uncertain significance for Hereditary cancer-predisposing syndrome. Last evaluated: 2025-05-24. Review status: criteria provided, single submitter. Criteria: Ambry Variant Classification Scheme 2023. Collection method: clinical testing. Allele origin: germline.
Comment: The p.P645L variant (also known as c.1934C>T), located in coding exon 7 of the AXIN2 gene, results from a C to T substitution at nucleotide position 1934. The proline at codon 645 is replaced by leucine, an amino acid with similar properties. This amino acid position is well conserved in available vertebrate species. In addition, this alteration is predicted to be tolerated by in silico analysis. Since supporting evidence is limited at this time, the clinical significance of this alteration remains unclear.

Baylor Genetics
Classification: Uncertain significance for Colorectal cancer. Last evaluated: 2024-03-10. Review status: criteria provided, single submitter. Criteria: ACMG Guidelines, 2015. Collection method: clinical testing. Allele origin: unknown.

GeneDx
Classification: Uncertain significance. Last evaluated: 2023-12-21. Review status: criteria provided, single submitter. Criteria: GeneDx Variant Classification Process June 2021. Collection method: clinical testing. Allele origin: germline. Affected: yes.
Comment: Not observed at a significant frequency in large population cohorts (gnomAD); In silico analysis supports that this missense variant has a deleterious effect on protein structure/function; Has not been previously published as pathogenic or benign to our knowledge

Mayo Clinic Laboratories, Mayo Clinic
Classification: Uncertain significance. Last evaluated: 2023-09-13. Review status: criteria provided, single submitter. Criteria: ACMG Guidelines, 2015. Collection method: clinical testing. Allele origin: germline. Observed: 1 variant allele.
Comment: BP4, PM2_moderate